The following is an entry in ClinVar:

NM_000059.4(BRCA2):c.3799G>A (p.Asp1267Asn)

Gene: BRCA2 (BRCA2 DNA repair associated; plus strand). Cytogenetic location: 13q13.1.
Variant type: single nucleotide variant.
Coding change: c.3799G>A on transcript NM_000059.4 (MANE Select); coding-DNA position 3799, G replaced by A.
Protein change: p.Asp1267Asn; replaces aspartic acid 1267 with asparagine.
Molecular consequence: missense variant.
Genome position (GRCh38, 1-based): chr13:32,338,154, G>A. VCF-style: chr13-32338154-G-A. GRCh37 (hg19) VCF-style: chr13-32912291-G-A.
Other names: c.3799G>A (NM_000059.3); short protein forms D1267N.
Identifiers: ClinVar variation 1050590 (VCV001050590.4), dbSNP rs1191600785, ClinGen allele CA387778407.

ClinVar aggregate classification (germline): Likely benign. Review status: criteria provided, multiple submitters, no conflicts (2 of 4 stars). 3 submissions from 3 submitters: Likely benign (2). 1 of the submissions does not count toward it. Last evaluated 2026-02-06.

Conditions:
Hereditary cancer-predisposing syndrome. Also called: Hereditary Cancer Syndrome; Neoplastic Syndromes, Hereditary; Tumor predisposition; Hereditary neoplastic syndrome. Identifiers: Orphanet 140162, MedGen C0027672, MeSH D009386, MONDO:0015356.

Allele frequency attached by ClinVar (database versions not stated): gnomAD exomes below 0.00001.
gnomAD v4.1: 1 of 1,596,040 alleles (0.000063%); highest among the groups gnomAD compares: South Asian, 0.0011%; no homozygotes.

Submissions (3):

Ambry Genetics
Classification: Likely benign for Hereditary cancer-predisposing syndrome. Last evaluated: 2026-02-06. Review status: criteria provided, single submitter. Criteria: Ambry Variant Classification Scheme 2023. Collection method: clinical testing. Allele origin: germline.

University of Washington Department of Laboratory Medicine, University of Washington
Classification: Likely benign for Hereditary cancer-predisposing syndrome. Last evaluated: 2023-03-23. Review status: criteria provided, single submitter. Criteria: Dines et al. (Genet Med. 2020). Collection method: curation. Allele origin: germline.
Comment: Missense variant in a coldspot region where missense variants are very unlikely to be pathogenic (PMID:31911673).

BRCA2 exon 11 coldspot. Reclassification based on statistical prior probability.

Department of Pathology and Laboratory Medicine, Sinai Health System
Classification: Uncertain significance. Review status: no assertion criteria provided. Collection method: clinical testing. Allele origin: unknown. Affected: yes. Study: The Canadian Open Genetics Repository (COGR). Not counted in ClinVar's aggregate classification.
Comment: The BRCA2 p.Asp1267Asn variant was not identified in the literature nor was it identified in the ClinVar, LOVD 3.0 or in the UMD-LSDB databases. The variant was identified in dbSNP (ID: rs1191600785) as "NA" and in control databases in 1 of 232466 chromosomes at a frequency of 0.000004 (Genome Aggregation Database Feb 27, 2017). The variant was observed in the following populations: South Asian in 1 of 27104 chromosomes (freq: 0.00004), while the variant was not observed in the African, Other, Latino, European, Ashkenazi Jewish, East Asian or Finnish populations. The p.Asp1267 residue is not conserved in mammals and computational analyses (PolyPhen-2, SIFT, AlignGVGD, BLOSUM, MutationTaster) do not suggest a high likelihood of impact to the protein; however, this information is not predictive enough to rule out pathogenicity. The variant occurs outside of the splicing consensus sequence and in silico or computational prediction software programs (SpliceSiteFinder, MaxEntScan, NNSPLICE, GeneSplicer) do not predict a difference in splicing. In summary, based on the above information the clinical significance of this variant cannot be determined with certainty at this time. This variant is classified as a variant of uncertain significance.